The following is an entry in ClinVar:

NM_006662.3(SRCAP):c.3182T>C (p.Ile1061Thr)

Gene: SRCAP (Snf2 related CREBBP activator protein; plus strand). Cytogenetic location: 16p11.2.
Variant type: single nucleotide variant.
Coding change: c.3182T>C on transcript NM_006662.3 (MANE Select); coding-DNA position 3182, T replaced by C.
Protein change: p.Ile1061Thr; replaces isoleucine 1061 with threonine.
Molecular consequence: missense variant.
Genome position (GRCh38, 1-based): chr16:30,720,907, T>C. VCF-style: chr16-30720907-T-C. GRCh37 (hg19) VCF-style: chr16-30732228-T-C.
Other names: short protein forms I1061T.
Identifiers: ClinVar variation 2646395 (VCV002646395.27), dbSNP rs146483870, ClinGen allele CA8011424.

ClinVar aggregate classification (germline): Uncertain significance. Review status: criteria provided, multiple submitters, no conflicts (2 of 4 stars). 2 submissions from 2 submitters: Uncertain significance (2). Last evaluated 2024-01-26.

Allele frequency attached by ClinVar (database versions not stated): ExAC 0.00001; gnomAD 0.00001; gnomAD exomes 0.00001; TOPMed 0.00003; ESP Exome Variant Server 0.00015.
gnomAD v4.1: 18 of 1,614,014 alleles (0.0011%); highest among the groups gnomAD compares: Non-Finnish European, 0.0015%; no homozygotes.

Submissions (2):

Labcorp Genetics (formerly Invitae), Labcorp
Classification: Uncertain significance. Last evaluated: 2024-01-26. Review status: criteria provided, single submitter. Criteria: Invitae Variant Classification Sherloc (09022015). Collection method: clinical testing. Allele origin: germline.
Comment: This sequence change replaces isoleucine, which is neutral and non-polar, with threonine, which is neutral and polar, at codon 1061 of the SRCAP protein (p.Ile1061Thr). This variant is present in population databases (rs146483870, gnomAD 0.0009%). This variant has not been reported in the literature in individuals affected with SRCAP-related conditions. ClinVar contains an entry for this variant (Variation ID: 2646395). Advanced modeling of protein sequence and biophysical properties (such as structural, functional, and spatial information, amino acid conservation, physicochemical variation, residue mobility, and thermodynamic stability) performed at Invitae indicates that this missense variant is not expected to disrupt SRCAP protein function with a negative predictive value of 80%. In summary, the available evidence is currently insufficient to determine the role of this variant in disease. Therefore, it has been classified as a Variant of Uncertain Significance.

CeGaT Center for Human Genetics Tuebingen
Classification: Uncertain significance. Last evaluated: 2022-10-01. Review status: criteria provided, single submitter. Criteria: CeGaT Center For Human Genetics Tuebingen Variant Classification Criteria Version 2. Collection method: clinical testing. Allele origin: germline. Affected: yes. Observed: 1 variant allele.
Comment: SRCAP: PM2, BP4